The following is an entry in ClinVar:

ClinVar aggregate classification (germline): Pathogenic (1 of 4 stars; one submission).

Submission:

Labcorp Genetics (formerly Invitae), Labcorp
Classification: Pathogenic. Last evaluated: 2022-06-29. Review status: criteria provided, single submitter. Criteria: Invitae Variant Classification Sherloc (09022015). Collection method: clinical testing. Allele origin: germline.
Comment: For these reasons, this variant has been classified as Pathogenic. This variant disrupts a region of the TCIRG1 protein in which other variant(s) (p.Ala796Leufs*34) have been determined to be pathogenic (PMID: 30537558; Invitae). This suggests that this is a clinically significant region of the protein, and that variants that disrupt it are likely to be disease-causing. This variant has not been reported in the literature in individuals affected with TCIRG1-related conditions. This variant is not present in population databases (gnomAD no frequency). This sequence change creates a premature translational stop signal (p.Glu702Argfs*128) in the TCIRG1 gene. While this is not anticipated to result in nonsense mediated decay, it is expected to disrupt the last 129 amino acid(s) of the TCIRG1 protein.

Literature cited by the submitters: PubMed 30537558.

NM_006019.4(TCIRG1):c.2104_2105del (p.Glu702fs)

Gene: TCIRG1 (T cell immune regulator 1, ATPase H+ transporting V0 subunit a3; plus strand). Cytogenetic location: 11q13.2.
Variant type: Deletion.
Coding change: c.2104_2105del on transcript NM_006019.4 (MANE Select); coding-DNA positions 2104 to 2105, 2 bases deleted (GA; older notation c.2104_2105delGA).
Protein change: p.Glu702fs; shifts the reading frame from glutamic acid 702.
Molecular consequence: frameshift variant.
Genome position (GRCh38, 1-based): chr11:68,050,052-68,050,053, GA deleted. VCF-style (leftmost placement, unchanged base first): chr11-68050051-TGA-T. GRCh37 (hg19) VCF-style: chr11-67817518-TGA-T.
Other names: c.1210_1211del, p.Glu404fs (NM_001351059.2); c.1456_1457del, p.Glu486fs (NM_006053.4); short protein forms E486fs, E702fs, E404fs.
Identifiers: ClinVar variation 2008908 (VCV002008908.4), dbSNP rs2495667015, ClinGen allele CA2580084650.